The following is an entry in ClinVar:

NM_001010874.5(TECRL):c.298T>C (p.Tyr100His)

Gene: TECRL (trans-2,3-enoyl-CoA reductase like; minus strand). Cytogenetic location: 4q13.1.
Variant type: single nucleotide variant.
Coding change: c.298T>C on transcript NM_001010874.5 (MANE Select); coding-DNA position 298, T replaced by C.
Protein change: p.Tyr100His; replaces tyrosine 100 with histidine.
Molecular consequence: missense variant.
Genome position (GRCh38, 1-based): chr4:64,328,545, A>G on the plus strand (T>C on the coding strand, the complement: TECRL is on the minus strand). VCF-style: chr4-64328545-A-G. GRCh37 (hg19) VCF-style: chr4-65194263-A-G.
Other names: c.298T>C, p.Tyr100His (NM_001363796.1); short protein forms Y100H.
Identifiers: ClinVar variation 4182155 (VCV004182155.1).

ClinVar aggregate classification (germline): Uncertain significance (1 of 4 stars; one submission).

Conditions:
Cardiovascular phenotype. Identifiers: MedGen CN230736.

Submission:

Ambry Genetics
Classification: Uncertain significance for Cardiovascular phenotype. Last evaluated: 2025-07-29. Review status: criteria provided, single submitter. Criteria: Ambry Variant Classification Scheme 2023. Collection method: clinical testing. Allele origin: germline.
Comment: The p.Y100H variant (also known as c.298T>C), located in coding exon 3 of the TECRL gene, results from a T to C substitution at nucleotide position 298. The tyrosine at codon 100 is replaced by histidine, an amino acid with similar properties. This amino acid position is conserved. In addition, this alteration is predicted to be tolerated by in silico analysis. Based on the available evidence, the clinical significance of this variant remains unclear.